The following is an entry in ClinVar:

ClinVar aggregate classification (germline): Uncertain significance. Review status: criteria provided, multiple submitters, no conflicts (2 of 4 stars). 3 submissions from 3 submitters: Uncertain significance (2). 1 of the submissions does not count toward it. Last evaluated 2024-10-24.

Conditions:
Disorders of Intracellular Cobalamin Metabolism. Identifiers: MedGen CN043592.
Methylcobalamin deficiency type cblE (HMAE). Also called: HOMOCYSTINURIA-MEGALOBLASTIC ANEMIA, cblE COMPLEMENTATION TYPE; VITAMIN B12-RESPONSIVE HOMOCYSTINURIA, cblE TYPE; HOMOCYSTINURIA-MEGALOBLASTIC ANEMIA, cblE TYPE. Identifiers: Orphanet 2169, Orphanet 622, MedGen C1856057, MONDO:0009354, OMIM 236270.

Allele frequency attached by ClinVar (database versions not stated): ExAC 0.00003; gnomAD exomes 0.00003 and 0.00005; TOPMed 0.00004; gnomAD 0.00005.

Submissions (3):

Labcorp Genetics (formerly Invitae), Labcorp
Classification: Uncertain significance for Methylcobalamin deficiency type cblE. Last evaluated: 2024-10-24. Review status: criteria provided, single submitter. Criteria: Invitae Variant Classification Sherloc (09022015). Collection method: clinical testing. Allele origin: germline.
Comment: This sequence change replaces proline, which is neutral and non-polar, with leucine, which is neutral and non-polar, at codon 168 of the MTRR protein (p.Pro168Leu). This variant is present in population databases (rs757635349, gnomAD 0.01%). This variant has not been reported in the literature in individuals affected with MTRR-related conditions. ClinVar contains an entry for this variant (Variation ID: 905354). Invitae Evidence Modeling of protein sequence and biophysical properties (such as structural, functional, and spatial information, amino acid conservation, physicochemical variation, residue mobility, and thermodynamic stability) indicates that this missense variant is not expected to disrupt MTRR protein function with a negative predictive value of 80%. In summary, the available evidence is currently insufficient to determine the role of this variant in disease. Therefore, it has been classified as a Variant of Uncertain Significance.

Illumina Laboratory Services, Illumina
Classification: Uncertain significance for Disorders of Intracellular Cobalamin Metabolism. Last evaluated: 2018-01-13. Review status: criteria provided, single submitter. Criteria: ICSL Variant Classification Criteria 13 December 2019. Collection method: clinical testing. Allele origin: germline.

Natera, Inc.
Classification: Uncertain significance for CblE complementation type homocystinuria-megaloblastic anemia due to defect in cobalamin metabolism. Last evaluated: 2020-03-04. Review status: no assertion criteria provided. Collection method: clinical testing. Allele origin: germline. Not counted in ClinVar's aggregate classification.

NM_002454.3(MTRR):c.503C>T (p.Pro168Leu)

Gene: MTRR (5-methyltetrahydrofolate-homocysteine methyltransferase reductase; plus strand). Cytogenetic location: 5p15.31.
Variant type: single nucleotide variant.
Coding change: c.503C>T on transcript NM_002454.3 (MANE Select); coding-DNA position 503, C replaced by T.
Protein change: p.Pro168Leu; replaces proline 168 with leucine.
Molecular consequence: missense variant. On other transcripts: non-coding transcript variant (14).
Genome position (GRCh38, 1-based): chr5:7,878,045, C>T. VCF-style: chr5-7878045-C-T. GRCh37 (hg19) VCF-style: chr5-7878158-C-T.
Other names: c.503C>T, p.Pro168Leu (NM_001364440.2, NM_001364441.2, NM_001364442.2 and 1 more transcripts); short protein forms P168L.
Identifiers: ClinVar variation 905354 (VCV000905354.12), dbSNP rs757635349, ClinGen allele CA3195618.
Genomic context (GRCh38, chr5:7,878,045, plus strand): 5'-CAGCCCTCAGAAAGCATTTTAGGTCAAGCAGAGGACAAGAGGAGATAAGTGGCGCACTCC[C>T]GGTGGCATCACCTGCATCCTCGAGGACAGACCTTGTGAAGTCAGAGCTGCTACACATTGA-3'
Protein context (NP_002445.2, residues 158-178): RGQEEISGAL[Pro168Leu]VASPASSRTD